The following is an entry in ClinVar:

NM_024675.4(PALB2):c.34G>A (p.Glu12Lys)

Gene: PALB2 (partner and localizer of BRCA2; minus strand). Cytogenetic location: 16p12.2.
Variant type: single nucleotide variant.
Coding change: c.34G>A on transcript NM_024675.4 (MANE Select); coding-DNA position 34, G replaced by A.
Protein change: p.Glu12Lys; replaces glutamic acid 12 with lysine.
Molecular consequence: missense variant.
Genome position (GRCh38, 1-based): chr16:23,641,124, C>T on the plus strand (G>A on the coding strand, the complement: PALB2 is on the minus strand). VCF-style: chr16-23641124-C-T. GRCh37 (hg19) VCF-style: chr16-23652445-C-T.
Other names: short protein forms E12K.
Identifiers: ClinVar variation 410184 (VCV000410184.24), dbSNP rs765520187, ClinGen allele CA16614907.
Genomic context (GRCh38, chr16:23,641,124, plus strand): 5'-AAGCGGGGTCAGAGTCCTGCGTCCGCCCTTCCCGCACCCCCGGCACCTTTTCCTTCTCCT[C>T]ACAGCTGAGGGGCTTCCCGGGAGGCTCGTCCATCGGGCAGGCGACAGAACGAAAAGAGCA-3'
Protein context (NP_078951.2, residues 2-22): DEPPGKPLSC[Glu12Lys]EKEKLKEKLA

ClinVar aggregate classification (germline): Uncertain significance. Review status: criteria provided, multiple submitters, no conflicts (2 of 4 stars). 4 submissions from 4 submitters: Uncertain significance (4). Last evaluated 2025-10-09.

Conditions:
Hereditary cancer-predisposing syndrome. Also called: Tumor predisposition; Hereditary Cancer Syndrome; Hereditary neoplastic syndrome; Neoplastic Syndromes, Hereditary. Identifiers: Orphanet 140162, MedGen C0027672, MeSH D009386, MONDO:0015356.
Familial cancer of breast. Also called: BREAST CANCER, FAMILIAL; Hereditary breast cancer; hereditary breast carcinoma. Identifiers: Orphanet 227535, MedGen C0346153, MONDO:0016419, OMIM 114480. Disease mechanism: loss of function.

Allele frequency attached by ClinVar (database versions not stated): gnomAD exomes below 0.00001; TOPMed 0.00001.
gnomAD v4.1: 1 of 1,613,602 alleles (0.000062%); highest among the groups gnomAD compares: African/African-American, 0.0013%; no homozygotes.

Submissions (4):

Labcorp Genetics (formerly Invitae), Labcorp
Classification: Uncertain significance for Familial cancer of breast. Last evaluated: 2025-10-09. Review status: criteria provided, single submitter. Criteria: Invitae Variant Classification Sherloc (09022015). Collection method: clinical testing. Allele origin: germline.
Comment: This sequence change replaces glutamic acid, which is acidic and polar, with lysine, which is basic and polar, at codon 12 of the PALB2 protein (p.Glu12Lys). RNA analysis indicates that this missense change induces altered splicing and may result in an absent or altered protein product. This variant is not present in population databases (gnomAD no frequency). This variant has not been reported in the literature in individuals affected with PALB2-related conditions. ClinVar contains an entry for this variant (Variation ID: 410184). An algorithm developed to predict the effect of missense changes on protein structure and function (PolyPhen-2) suggests that this variant is likely to be disruptive. Studies have shown that this missense change results in activation of a cryptic splice site, and produces a non-functional protein and/or introduces a premature termination codon (internal data). In summary, the available evidence is currently insufficient to determine the role of this variant in disease. Therefore, it has been classified as a Variant of Uncertain Significance.

Ambry Genetics
Classification: Uncertain significance for Hereditary cancer-predisposing syndrome. Last evaluated: 2025-08-22. Review status: criteria provided, single submitter. Criteria: Ambry Variant Classification Scheme 2023. Collection method: clinical testing. Allele origin: germline.
Comment: The p.E12K variant (also known as c.34G>A), located in coding exon 1 of the PALB2 gene, results from a G to A substitution at nucleotide position 34. The glutamic acid at codon 12 is replaced by lysine, an amino acid with similar properties. This amino acid position is not well conserved in available vertebrate species. In addition, this alteration is predicted to be tolerated by in silico analysis. Based on the available evidence, the clinical significance of this variant remains unclear

Baylor Genetics
Classification: Uncertain significance for Familial cancer of breast. Last evaluated: 2023-12-06. Review status: criteria provided, single submitter. Criteria: ACMG Guidelines, 2015. Collection method: clinical testing. Allele origin: unknown.

Color Diagnostics, LLC DBA Color Health
Classification: Uncertain significance for Hereditary cancer-predisposing syndrome. Last evaluated: 2023-12-05. Review status: criteria provided, single submitter. Criteria: ACMG Guidelines, 2015. Collection method: clinical testing. Allele origin: germline.
Comment: This missense variant replaces glutamic acid with lysine at codon 12 of the PALB2 protein. Computational prediction suggests that this variant may not impact protein structure and function (internally defined REVEL score threshold <= 0.5, PMID: 27666373). To our knowledge, functional studies have not been reported for this variant. This variant has not been reported in individuals affected with PALB2-related disorders in the literature. This variant has not been identified in the general population by the Genome Aggregation Database (gnomAD). The available evidence is insufficient to determine the role of this variant in disease conclusively. Therefore, this variant is classified as a Variant of Uncertain Significance.